The following is an entry in ClinVar:

NM_002473.6(MYH9):c.5773del (p.Asp1925fs)

Gene: MYH9 (myosin heavy chain 9; minus strand). Cytogenetic location: 22q12.3.
Variant type: Deletion.
Coding change: c.5773del on transcript NM_002473.6 (MANE Select); coding-DNA position 5773, one base deleted (G; older notation c.5773delG).
Protein change: p.Asp1925fs; shifts the reading frame from aspartic acid 1925.
Molecular consequence: frameshift variant.
Genome position (GRCh38, 1-based): chr22:36,282,778, C deleted on the plus strand (G on the coding strand, the reverse complement: MYH9 is on the minus strand); the first of 4 consecutive C bases (chr22:36,282,778-36,282,781); deleting any one gives the same sequence. VCF-style (leftmost placement, unchanged base first): chr22-36282777-TC-T. GRCh37 (hg19) VCF-style: chr22-36678823-TC-T.
Other names: c.5773delG (NM_002473.6); short protein forms D1925fs.
Identifiers: ClinVar variation 1684410 (VCV001684410.3), dbSNP rs2146325507, ClinGen allele CA2573158102.

ClinVar aggregate classification (germline): Pathogenic (1 of 4 stars; one submission).

Conditions:
Macrothrombocytopenia and granulocyte inclusions with or without nephritis or sensorineural hearing loss (MATINS). Also called: MYH9-Related Disease (MYH9-RD); MACROTHROMBOCYTOPENIA WITH LEUKOCYTE INCLUSIONS; BLEEDING DISORDER, PLATELET-TYPE, 6; SEBASTIAN PLATELET SYNDROME; MACROTHROMBOCYTOPENIA WITH DISPERSED LEUKOCYTIC INCLUSIONS; MACROTHROMBOCYTOPENIA, NEPHRITIS, AND DEAFNESS. Identifiers: Orphanet 182050, MedGen C5200934, MONDO:0015912, OMIM 155100.

Submission:

ISTH-SSC Genomics in Thrombosis and Hemostasis, KU Leuven, Center for Molecular and Vascular Biology
Classification: Pathogenic for Macrothrombocytopenia and granulocyte inclusions with or without nephritis or sensorineural hearing loss. Review status: criteria provided, single submitter. Criteria: ACMG Guidelines, 2015. Collection method: clinical testing. Allele origin: germline. Affected: yes. Observed: 1 heterozygote.
Comment: Submitted to GoldVariant by Jose María Bastida and José Rivera; Grupo Español de Alteraciones Plaquetarias Congénitas (GEAPC)

Literature cited by the submitters: PubMed 24186861.